The following is an entry in ClinVar:

ClinVar aggregate classification (germline): Uncertain significance (1 of 4 stars; one submission).

Conditions:
Inborn genetic diseases. Identifiers: MedGen C0950123, MeSH D030342.

Submission:

Ambry Genetics
Classification: Uncertain significance for Inborn genetic diseases. Last evaluated: 2024-12-07. Review status: criteria provided, single submitter. Criteria: Ambry Variant Classification Scheme 2023. Collection method: clinical testing. Allele origin: germline.
Comment: The p.T664I variant (also known as c.1991C>T), located in coding exon 19 of the ANKRD26 gene, results from a C to T substitution at nucleotide position 1991. The threonine at codon 664 is replaced by isoleucine, an amino acid with similar properties. This amino acid position is conserved. In addition, this alteration is predicted to be tolerated by in silico analysis. Based on the available evidence, the clinical significance of this variant remains unclear.

NM_014915.3(ANKRD26):c.1991C>T (p.Thr664Ile)

Gene: ANKRD26 (ankyrin repeat domain containing 26; minus strand). Cytogenetic location: 10p12.1.
Variant type: single nucleotide variant.
Coding change: c.1991C>T on transcript NM_014915.3 (MANE Select); coding-DNA position 1991, C replaced by T.
Protein change: p.Thr664Ile; replaces threonine 664 with isoleucine.
Molecular consequence: missense variant.
Genome position (GRCh38, 1-based): chr10:27,044,185, G>A on the plus strand (C>T on the coding strand, the complement: ANKRD26 is on the minus strand). VCF-style: chr10-27044185-G-A. GRCh37 (hg19) VCF-style: chr10-27333114-G-A.
Other names: c.1988C>T, p.Thr663Ile (NM_001256053.2); short protein forms T663I, T664I.
Identifiers: ClinVar variation 3397247 (VCV003397247.1).